The following is an entry in ClinVar:

ClinVar aggregate classification (germline): Uncertain significance (1 of 4 stars; one submission).

Conditions:
Hereditary spastic paraplegia 39 (SPG39). Also called: Spastic Paraplegia Type 39 (SPG39); SPASTIC PARAPLEGIA 39, AUTOSOMAL RECESSIVE. Identifiers: Orphanet 139480, MedGen C2677586, MONDO:0012787, OMIM 612020.

Allele frequency attached by ClinVar (database versions not stated): gnomAD exomes below 0.00001.
gnomAD v4.1: 1 of 1,613,560 alleles (0.000062%); highest among the groups gnomAD compares: South Asian, 0.0011%; no homozygotes.

Submission:

Labcorp Genetics (formerly Invitae), Labcorp
Classification: Uncertain significance for Hereditary spastic paraplegia 39. Last evaluated: 2022-08-09. Review status: criteria provided, single submitter. Criteria: Invitae Variant Classification Sherloc (09022015). Collection method: clinical testing. Allele origin: germline.
Comment: This variant has not been reported in the literature in individuals affected with PNPLA6-related conditions. This variant is not present in population databases (gnomAD no frequency). This sequence change replaces alanine, which is neutral and non-polar, with valine, which is neutral and non-polar, at codon 781 of the PNPLA6 protein (p.Ala781Val). Algorithms developed to predict the effect of missense changes on protein structure and function (SIFT, PolyPhen-2, Align-GVGD) all suggest that this variant is likely to be tolerated. In summary, the available evidence is currently insufficient to determine the role of this variant in disease. Therefore, it has been classified as a Variant of Uncertain Significance.

NM_001166114.2(PNPLA6):c.2456C>T (p.Ala819Val)

Gene: PNPLA6 (patatin like domain 6, lysophospholipase; plus strand). Cytogenetic location: 19p13.2.
Variant type: single nucleotide variant.
Coding change: c.2456C>T on transcript NM_001166114.2 (MANE Select); coding-DNA position 2456, C replaced by T.
Protein change: p.Ala819Val; replaces alanine 819 with valine.
Molecular consequence: missense variant.
Genome position (GRCh38, 1-based): chr19:7,554,263, C>T. VCF-style: chr19-7554263-C-T. GRCh37 (hg19) VCF-style: chr19-7619149-C-T.
Other names: c.2486C>T, p.Ala829Val (NM_001166111.2); c.2261C>T, p.Ala754Val (NM_001166112.2); c.2342C>T, p.Ala781Val (NM_001166113.1, NM_006702.5); short protein forms A829V, A781V, A819V, A754V.
Identifiers: ClinVar variation 2161561 (VCV002161561.4), dbSNP rs2512548204, ClinGen allele CA403127431.